The following is an entry in ClinVar:

ClinVar aggregate classification (germline): Uncertain significance (1 of 4 stars; one submission).

Submission:

Labcorp Genetics (formerly Invitae), Labcorp
Classification: Uncertain significance. Last evaluated: 2024-07-19. Review status: criteria provided, single submitter. Criteria: Invitae Variant Classification Sherloc (09022015). Collection method: clinical testing. Allele origin: germline.
Comment: This sequence change replaces proline, which is neutral and non-polar, with leucine, which is neutral and non-polar, at codon 598 of the TWNK protein (p.Pro598Leu). This variant is not present in population databases (gnomAD no frequency). This variant has not been reported in the literature in individuals affected with TWNK-related conditions. ClinVar contains an entry for this variant (Variation ID: 2095274). Advanced modeling of protein sequence and biophysical properties (such as structural, functional, and spatial information, amino acid conservation, physicochemical variation, residue mobility, and thermodynamic stability) has been performed at Invitae for this missense variant, however the output from this modeling did not meet the statistical confidence thresholds required to predict the impact of this variant on TWNK protein function. In summary, the available evidence is currently insufficient to determine the role of this variant in disease. Therefore, it has been classified as a Variant of Uncertain Significance.

NM_021830.5(TWNK):c.1793C>T (p.Pro598Leu)

Gene: TWNK (twinkle mtDNA helicase; plus strand). Cytogenetic location: 10q24.31.
Variant type: single nucleotide variant.
Coding change: c.1793C>T on transcript NM_021830.5 (MANE Select); coding-DNA position 1793, C replaced by T.
Protein change: p.Pro598Leu; replaces proline 598 with leucine.
Molecular consequence: missense variant. On other transcripts: 3 prime UTR variant (2), non-coding transcript variant (5).
Genome position (GRCh38, 1-based): chr10:100,993,248, C>T. VCF-style: chr10-100993248-C-T. GRCh37 (hg19) VCF-style: chr10-102753005-C-T.
Other names: c.*88C>T (NM_001163812.2, NM_001163814.2); c.431C>T, p.Pro144Leu (NM_001163813.2, NM_001368275.1); short protein forms P598L, P144L.
Identifiers: ClinVar variation 2095274 (VCV002095274.4), dbSNP rs756179376, ClinGen allele CA378211998.